The following is an entry in ClinVar:

NM_000179.3(MSH6):c.3969T>G (p.Phe1323Leu)

Gene: MSH6 (mutS homolog 6; plus strand). Cytogenetic location: 2p16.3.
Variant type: single nucleotide variant.
Coding change: c.3969T>G on transcript NM_000179.3 (MANE Select); coding-DNA position 3969, T replaced by G.
Protein change: p.Phe1323Leu; replaces phenylalanine 1323 with leucine.
Molecular consequence: missense variant.
Genome position (GRCh38, 1-based): chr2:47,806,619, T>G. VCF-style: chr2-47806619-T-G. GRCh37 (hg19) VCF-style: chr2-48033758-T-G.
Other names: c.3579T>G, p.Phe1193Leu (NM_001281492.2); c.3063T>G, p.Phe1021Leu (NM_001281493.2, NM_001281494.2); short protein forms F1323L, F1021L, F1193L.
Identifiers: ClinVar variation 419767 (VCV000419767.21), dbSNP rs1057520473, ClinGen allele CA16617718.

ClinVar aggregate classification (germline): Uncertain significance. Review status: criteria provided, multiple submitters, no conflicts (2 of 4 stars). 6 submissions from 6 submitters: Uncertain significance (6). Last evaluated 2026-04-06.

Conditions:
Hereditary nonpolyposis colorectal neoplasms. Identifiers: MedGen C0009405, MeSH D003123.
Hereditary cancer-predisposing syndrome. Also called: Hereditary Cancer Syndrome; Tumor predisposition; Hereditary neoplastic syndrome; Neoplastic Syndromes, Hereditary. Identifiers: Orphanet 140162, MedGen C0027672, MeSH D009386, MONDO:0015356.
Lynch syndrome. Identifiers: Orphanet 144, MedGen C4552100, MONDO:0005835. Disease mechanism: loss of function.
Endometrial carcinoma. Also called: Endometrial carcinoma, somatic. Identifiers: MedGen C0476089, MONDO:0002447, OMIM 608089, HP:0012114.
Breast carcinoma. Also called: Carcinoma of breast. Identifiers: MedGen C0678222, MONDO:0004989, HP:0003002.

gnomAD v4.1: 1 of 1,612,498 alleles (0.000062%); highest among the groups gnomAD compares: African/African-American, 0.0013%; no homozygotes.

Submissions (6):

Ambry Genetics
Classification: Uncertain significance for Hereditary cancer-predisposing syndrome. Last evaluated: 2026-04-06. Review status: criteria provided, single submitter. Criteria: Ambry Variant Classification Scheme 2023. Collection method: clinical testing. Allele origin: germline.

Labcorp Genetics (formerly Invitae), Labcorp
Classification: Uncertain significance for Hereditary nonpolyposis colorectal neoplasms. Last evaluated: 2024-11-09. Review status: criteria provided, single submitter. Criteria: Invitae Variant Classification Sherloc (09022015). Collection method: clinical testing. Allele origin: germline.
Comment: This sequence change replaces phenylalanine, which is neutral and non-polar, with leucine, which is neutral and non-polar, at codon 1323 of the MSH6 protein (p.Phe1323Leu). This variant is not present in population databases (gnomAD no frequency). This variant has not been reported in the literature in individuals affected with MSH6-related conditions. ClinVar contains an entry for this variant (Variation ID: 419767). Invitae Evidence Modeling of protein sequence and biophysical properties (such as structural, functional, and spatial information, amino acid conservation, physicochemical variation, residue mobility, and thermodynamic stability) indicates that this missense variant is not expected to disrupt MSH6 protein function with a negative predictive value of 95%. In summary, the available evidence is currently insufficient to determine the role of this variant in disease. Therefore, it has been classified as a Variant of Uncertain Significance.

GeneDx
Classification: Uncertain significance. Last evaluated: 2024-05-22. Review status: criteria provided, single submitter. Criteria: GeneDx Variant Classification Process June 2021. Collection method: clinical testing. Allele origin: germline. Affected: yes.
Comment: Not observed at significant frequency in large population cohorts (gnomAD); In silico analysis indicates that this missense variant does not alter protein structure/function; Has not been previously published as pathogenic or benign to our knowledge; This variant is associated with the following publications: (PMID: 12019211, 17531815, 21120944)

All of Us Research Program, National Institutes of Health
Classification: Uncertain significance for Lynch syndrome. Last evaluated: 2024-01-11. Review status: criteria provided, single submitter. Criteria: ACMG Guidelines, 2015. Collection method: clinical testing. Allele origin: germline. Inheritance: Autosomal dominant inheritance. Observed: 1 variant allele, 1 heterozygote.
Comment: This study involves interpretation of variants in research participants for the purpose of population health screening. Participant phenotype was not available at the time of variant classification. Additional details can be found in publication PMID: 35346344, PMCID: PMC8962531

Baylor Genetics
Classification: Uncertain significance for Endometrial carcinoma. Last evaluated: 2023-07-04. Review status: criteria provided, single submitter. Criteria: ACMG Guidelines, 2015. Collection method: clinical testing. Allele origin: unknown.

Institute of Human Genetics, University of Leipzig Medical Center
Classification: Uncertain significance for Breast carcinoma. Last evaluated: 2019-01-01. Review status: criteria provided, single submitter. Criteria: ACMG Guidelines, 2015. Collection method: clinical testing. Allele origin: unknown. Affected: yes.